The following is an entry in ClinVar:

ClinVar aggregate classification (germline): Uncertain significance (1 of 4 stars; one submission).

Conditions:
Hereditary cancer-predisposing syndrome. Also called: Hereditary neoplastic syndrome; Neoplastic Syndromes, Hereditary; Tumor predisposition; Hereditary Cancer Syndrome. Identifiers: Orphanet 140162, MedGen C0027672, MeSH D009386, MONDO:0015356.

Submission:

Ambry Genetics
Classification: Uncertain significance for Hereditary cancer-predisposing syndrome. Last evaluated: 2025-02-05. Review status: criteria provided, single submitter. Criteria: Ambry Variant Classification Scheme 2023. Collection method: clinical testing. Allele origin: germline.
Comment: The p.R263L variant (also known as c.788G>T), located in coding exon 8 of the CDC73 gene, results from a G to T substitution at nucleotide position 788. The arginine at codon 263 is replaced by leucine, an amino acid with dissimilar properties. This amino acid position is conserved. In addition, this alteration is predicted to be tolerated by in silico analysis. Based on the available evidence, the clinical significance of this variant remains unclear.

NM_024529.5(CDC73):c.788G>T (p.Arg263Leu)

Gene: CDC73 (cell division cycle 73; plus strand). Cytogenetic location: 1q31.2.
Variant type: single nucleotide variant.
Coding change: c.788G>T on transcript NM_024529.5 (MANE Select); coding-DNA position 788, G replaced by T.
Protein change: p.Arg263Leu; replaces arginine 263 with leucine.
Molecular consequence: missense variant.
Genome position (GRCh38, 1-based): chr1:193,147,925, G>T. VCF-style: chr1-193147925-G-T. GRCh37 (hg19) VCF-style: chr1-193117055-G-T.
Other names: short protein forms R263L.
Identifiers: ClinVar variation 3829896 (VCV003829896.1).